The following is an entry in ClinVar:

ClinVar aggregate classification (germline): Pathogenic (1 of 4 stars; one submission).

Conditions:
Capillary malformation-arteriovenous malformation syndrome. Also called: Capillary malformation-arteriovenous malformation. Identifiers: Orphanet 137667, MedGen C1842180, MONDO:0012016.

Submission:

Labcorp Genetics (formerly Invitae), Labcorp
Classification: Pathogenic for Capillary malformation-arteriovenous malformation syndrome. Last evaluated: 2024-12-11. Review status: criteria provided, single submitter. Criteria: Invitae Variant Classification Sherloc (09022015). Collection method: clinical testing. Allele origin: germline.
Comment: This sequence change creates a premature translational stop signal (p.Lys185Asnfs*6) in the RASA1 gene. It is expected to result in an absent or disrupted protein product. Loss-of-function variants in RASA1 are known to be pathogenic (PMID: 24038909). This variant is not present in population databases (gnomAD no frequency). This variant has not been reported in the literature in individuals affected with RASA1-related conditions. For these reasons, this variant has been classified as Pathogenic.

Literature cited by the submitters: PubMed 24038909.

NM_002890.3(RASA1):c.555del (p.Lys185fs)

Genes: CCNH (cyclin H; minus strand), RASA1 (RAS p21 protein activator 1; plus strand). Cytogenetic location: 5q14.3.
Variant type: Deletion.
Coding change: c.555del on transcript NM_002890.3 (MANE Select); coding-DNA position 555, one base deleted (A; older notation c.555delA).
Protein change: p.Lys185fs; shifts the reading frame from lysine 185.
Molecular consequence: frameshift variant. On other transcripts: intron variant (1).
Genome position (GRCh38, 1-based): chr5:87,331,363, A deleted; the last of 4 consecutive A bases (chr5:87,331,360-87,331,363); deleting any one gives the same sequence. VCF-style (leftmost placement, unchanged base first): chr5-87331359-GA-G. GRCh37 (hg19) VCF-style: chr5-86627176-GA-G.
Other names: c.24del, p.Lys8fs (NM_022650.3); c.934-18565del (NM_001364075.2); short protein forms K185fs, K8fs.
Identifiers: ClinVar variation 3721774 (VCV003721774.2).
Genomic context (GRCh38, chr5:87,331,359, plus strand): 5'-TTCTGCACTTGCTATTTATATTGTAATATCTTCTCTGTTTTTCCCCTAGGTGGTATCACG[GA>G]AAACTTGACAGAACGATAGCAGAAGAACGCCTCAGGCAGGCAGGGAAGTCTGGCAGTTAT-3'